The following is an entry in ClinVar:

ClinVar aggregate classification (germline): Uncertain significance. Review status: criteria provided, multiple submitters, no conflicts (2 of 4 stars). 3 submissions from 3 submitters: Uncertain significance (3). Last evaluated 2025-09-24.

Conditions:
Hereditary cancer-predisposing syndrome. Also called: Hereditary neoplastic syndrome; Neoplastic Syndromes, Hereditary; Tumor predisposition; Hereditary Cancer Syndrome. Identifiers: Orphanet 140162, MedGen C0027672, MeSH D009386, MONDO:0015356.
Neuroblastoma, susceptibility to, 3. Also called: ALK-Related Neuroblastic Tumor Susceptibility. Identifiers: Orphanet 635, MedGen C2751681, MONDO:0013083, OMIM 613014.

Allele frequency attached by ClinVar (database versions not stated): gnomAD exomes 0.00001; ExAC 0.00002; ESP Exome Variant Server 0.00008.
gnomAD v4.1: 12 of 1,614,180 alleles (0.00074%); highest among the groups gnomAD compares: African/African-American, 0.0013%; no homozygotes.

Submissions (3):

Labcorp Genetics (formerly Invitae), Labcorp
Classification: Uncertain significance for Neuroblastoma, susceptibility to, 3. Last evaluated: 2025-09-24. Review status: criteria provided, single submitter. Criteria: Invitae Variant Classification Sherloc (09022015). Collection method: clinical testing. Allele origin: germline.
Comment: This sequence change replaces glycine, which is neutral and non-polar, with glutamic acid, which is acidic and polar, at codon 1534 of the ALK protein (p.Gly1534Glu). This variant is present in population databases (rs139185626, gnomAD 0.002%). This variant has not been reported in the literature in individuals affected with ALK-related conditions. ClinVar contains an entry for this variant (Variation ID: 470879). An algorithm developed to predict the effect of missense changes on protein structure and function (PolyPhen-2) suggests that this variant is likely to be disruptive. In summary, the available evidence is currently insufficient to determine the role of this variant in disease. Therefore, it has been classified as a Variant of Uncertain Significance.

Ambry Genetics
Classification: Uncertain significance for Hereditary cancer-predisposing syndrome. Last evaluated: 2024-12-15. Review status: criteria provided, single submitter. Criteria: Ambry Variant Classification Scheme 2023. Collection method: clinical testing. Allele origin: germline.
Comment: The p.G1534E variant (also known as c.4601G>A), located in coding exon 29 of the ALK gene, results from a G to A substitution at nucleotide position 4601. The glycine at codon 1534 is replaced by glutamic acid, an amino acid with similar properties. This amino acid position is conserved. In addition, this alteration is predicted to be tolerated by in silico analysis. Based on the available evidence, the clinical significance of this variant remains unclear.

Baylor Genetics
Classification: Uncertain significance for Neuroblastoma, susceptibility to, 3. Last evaluated: 2023-12-05. Review status: criteria provided, single submitter. Criteria: ACMG Guidelines, 2015. Collection method: clinical testing. Allele origin: unknown.

NM_004304.5(ALK):c.4601G>A (p.Gly1534Glu)

Gene: ALK (ALK receptor tyrosine kinase; minus strand). Cytogenetic location: 2p23.2.
Variant type: single nucleotide variant.
Coding change: c.4601G>A on transcript NM_004304.5 (MANE Select); coding-DNA position 4601, G replaced by A.
Protein change: p.Gly1534Glu; replaces glycine 1534 with glutamic acid.
Molecular consequence: missense variant.
Genome position (GRCh38, 1-based): chr2:29,193,486, C>T on the plus strand (G>A on the coding strand, the complement: ALK is on the minus strand). VCF-style: chr2-29193486-C-T. GRCh37 (hg19) VCF-style: chr2-29416352-C-T.
Other names: c.1397G>A, p.Gly466Glu (NM_001353765.2); short protein forms G1534E, G466E.
Identifiers: ClinVar variation 470879 (VCV000470879.10), dbSNP rs139185626, ClinGen allele CA1593531.